The following is an entry in ClinVar:

NM_013266.4(CTNNA3):c.1024C>G (p.Leu342Val)

Gene: CTNNA3 (catenin alpha 3; minus strand). Cytogenetic location: 10q21.3.
Variant type: single nucleotide variant.
Coding change: c.1024C>G on transcript NM_013266.4 (MANE Select); coding-DNA position 1024, C replaced by G.
Protein change: p.Leu342Val; replaces leucine 342 with valine.
Molecular consequence: missense variant.
Genome position (GRCh38, 1-based): chr10:67,180,340, G>C on the plus strand (C>G on the coding strand, the complement: CTNNA3 is on the minus strand). VCF-style: chr10-67180340-G-C. GRCh37 (hg19) VCF-style: chr10-68940098-G-C.
Other names: c.1024C>G, p.Leu342Val (NM_001127384.3); c.1060C>G, p.Leu354Val (NM_001291133.2); short protein forms L342V, L354V.
Identifiers: ClinVar variation 4796888 (VCV004796888.1).

ClinVar aggregate classification (germline): Uncertain significance (1 of 4 stars; one submission).

Conditions:
Arrhythmogenic right ventricular dysplasia 13. Also called: ARRHYTHMOGENIC RIGHT VENTRICULAR CARDIOMYOPATHY 13; Arrhythmogenic right ventricular dysplasia, familial, 13. Identifiers: MedGen C3810138, MONDO:0000908, OMIM 615616.

Submission:

Labcorp Genetics (formerly Invitae), Labcorp
Classification: Uncertain significance for Arrhythmogenic right ventricular dysplasia 13. Last evaluated: 2025-08-04. Review status: criteria provided, single submitter. Criteria: Invitae Variant Classification Sherloc (09022015). Collection method: clinical testing. Allele origin: germline.
Comment: This sequence change replaces leucine, which is neutral and non-polar, with valine, which is neutral and non-polar, at codon 342 of the CTNNA3 protein (p.Leu342Val). This variant is present in population databases (rs765576079, gnomAD 0.0009%). This variant has not been reported in the literature in individuals affected with CTNNA3-related conditions. Invitae Evidence Modeling of protein sequence and biophysical properties (such as structural, functional, and spatial information, amino acid conservation, physicochemical variation, residue mobility, and thermodynamic stability) indicates that this missense variant is expected to disrupt CTNNA3 protein function with a positive predictive value of 80%. In summary, the available evidence is currently insufficient to determine the role of this variant in disease. Therefore, it has been classified as a Variant of Uncertain Significance.